The following is an entry in ClinVar:

NM_177924.5(ASAH1):c.78G>C (p.Pro26=)

Gene: ASAH1 (N-acylsphingosine amidohydrolase 1; minus strand). Cytogenetic location: 8p22.
Variant type: single nucleotide variant.
Coding change: c.78G>C on transcript NM_177924.5 (MANE Select); coding-DNA position 78, G replaced by C.
Protein change: p.Pro26=; no amino-acid change (proline 26 retained).
Molecular consequence: synonymous variant. On other transcripts: intron variant (2).
Genome position (GRCh38, 1-based): chr8:18,083,981, C>G on the plus strand (G>C on the coding strand, the complement: ASAH1 is on the minus strand). VCF-style: chr8-18083981-C-G. GRCh37 (hg19) VCF-style: chr8-17941490-C-G.
Other names: c.126+695G>C (NM_004315.6, NM_001127505.3).
Identifiers: ClinVar variation 1947895 (VCV001947895.5), dbSNP rs754703716, ClinGen allele CA1768023972.
Genomic context (GRCh38, chr8:18,083,981, plus strand): 5'-GCCTCCATCCGCGCCCGCACCTGCACGCCCCTCTCTGCGCCTCGGCTCAAGCTCACTCAC[C>G]GGCGGCGCGTGCTGCGCGACGGCACAGCTGACGGCGGCAGCCAGGAGGACTAAGGCGACG-3'
Protein context (NP_808592.2, residues 16-36): VSCAVAQHAP[Pro26=]WTEDCRKSTY

ClinVar aggregate classification (germline): Uncertain significance (1 of 4 stars; one submission).

Submission:

Labcorp Genetics (formerly Invitae), Labcorp
Classification: Uncertain significance. Last evaluated: 2022-04-19. Review status: criteria provided, single submitter. Criteria: Invitae Variant Classification Sherloc (09022015). Collection method: clinical testing. Allele origin: germline.
Comment: In summary, the available evidence is currently insufficient to determine the role of this variant in disease. Therefore, it has been classified as a Variant of Uncertain Significance. Variants that disrupt the consensus splice site are a relatively common cause of aberrant splicing (PMID: 17576681, 9536098). Algorithms developed to predict the effect of sequence changes on RNA splicing suggest that this variant may create or strengthen a splice site. This variant has not been reported in the literature in individuals affected with ASAH1-related conditions. This variant is not present in population databases (gnomAD no frequency). This sequence change affects codon 26 of the ASAH1 mRNA. It is a 'silent' change, meaning that it does not change the encoded amino acid sequence of the ASAH1 protein. This variant also falls at the last nucleotide of exon 1, which is part of the consensus splice site for this exon.

Literature cited by the submitters: PubMed 17576681; PubMed 9536098.